The following is an entry in ClinVar:

NM_001232.4(CASQ2):c.606+1del

Gene: CASQ2 (calsequestrin 2; minus strand). Cytogenetic location: 1p13.1.
Variant type: Deletion.
Coding change: c.606+1del on transcript NM_001232.4 (MANE Select); the canonical splice donor site of the intron after coding-DNA position 606, one base deleted (G; older notation c.606+1delG).
Molecular consequence: splice donor variant.
Genome position (GRCh38, 1-based): chr1:115,732,900, C deleted on the plus strand (G on the coding strand, the reverse complement: CASQ2 is on the minus strand); the first of 4 consecutive C bases (chr1:115,732,900-115,732,903); deleting any one gives the same sequence. VCF-style (leftmost placement, unchanged base first): chr1-115732899-AC-A. GRCh37 (hg19) VCF-style: chr1-116275520-AC-A.
Identifiers: ClinVar variation 4219483 (VCV004219483.1).

ClinVar aggregate classification (germline): Likely pathogenic (1 of 4 stars; one submission).

Conditions:
Cardiovascular phenotype. Identifiers: MedGen CN230736.

Submission:

Ambry Genetics
Classification: Likely pathogenic for Cardiovascular phenotype. Last evaluated: 2025-08-25. Review status: criteria provided, single submitter. Criteria: Ambry Variant Classification Scheme 2023. Collection method: clinical testing. Allele origin: germline.
Comment: The c.606+1delG intronic variant, located in intron 5 of the CASQ2 gene, results from a deletion of one nucleotide within intron 5 of the CASQ2 gene. This variant is considered to be rare based on population cohorts in the Genome Aggregation Database (gnomAD). This nucleotide position is highly conserved in available vertebrate species. In silico splice site analysis predicts that this alteration will weaken the native splice donor site and will result in the creation or strengthening of a novel splice donor site. Alterations that disrupt the canonical splice site are expected to cause aberrant splicing, resulting in an abnormal protein or a transcript that is subject to nonsense-mediated mRNA decay. Based on the majority of available evidence to date, this variant is likely to be pathogenic.